The following is an entry in ClinVar:

ClinVar aggregate classification (germline): Uncertain significance (1 of 4 stars; one submission).

Conditions:
SMARCA2-related disorder. Also called: SMARCA2-related condition.

Submission:

3billion
Classification: Uncertain significance for SMARCA2-related disorder. Last evaluated: 2025-12-12. Review status: criteria provided, single submitter. Criteria: ACMG Guidelines, 2015. Collection method: clinical testing. Allele origin: germline. Affected: yes.
Comment: The variant is not observed in the gnomAD v4.1.0 dataset. Predicted Consequence/Location: Intron variant In silico tools predict the variant to alter splicing and produce an abnormal transcript [SpliceAI: 0.23 (>=0.2, moderate evidence for spliceogenicity)]. Therefore, this variant is classified as VUS according to the recommendation of ACMG/AMP guideline.

NM_003070.5(SMARCA2):c.3456+22G>T

Gene: SMARCA2 (SWI/SNF related BAF chromatin remodeling complex subunit ATPase 2; plus strand). Cytogenetic location: 9p24.3.
Variant type: single nucleotide variant.
Coding change: c.3456+22G>T on transcript NM_003070.5 (MANE Select); 22 bases into the intron after coding-DNA position 3456, G replaced by T.
Molecular consequence: intron variant.
Genome position (GRCh38, 1-based): chr9:2,110,439, G>T. VCF-style: chr9-2110439-G-T. GRCh37 (hg19) VCF-style: chr9-2110439-G-T.
Other names: c.3456+22G>T (NM_139045.4, NM_001289396.2); c.3282+22G>T (NM_001289397.2).
Identifiers: ClinVar variation 4854216 (VCV004854216.1).